The following is an entry in ClinVar:

ClinVar aggregate classification (germline): Likely pathogenic (1 of 4 stars; one submission).

Conditions:
Autosomal recessive nonsyndromic hearing loss 3. Also called: NEUROSENSORY NONSYNDROMIC RECESSIVE DEAFNESS 3. Identifiers: Orphanet 90636, MedGen C1838263, MONDO:0010860, OMIM 600316.

Submission:

Institute of Rare Diseases, West China Hospital, Sichuan University
Classification: Likely pathogenic for Autosomal recessive nonsyndromic hearing loss 3. Last evaluated: 2025-01-09. Review status: criteria provided, single submitter. Criteria: ClinGen HL ACMG Specifications v1. Collection method: research. Allele origin: germline. Affected: yes.
Comment: PVS1;PM2_Supporting

NM_016239.4(MYO15A):c.2892del (p.Leu965fs)

Gene: MYO15A (myosin XVA; plus strand). Cytogenetic location: 17p11.2.
Variant type: Deletion.
Coding change: c.2892del on transcript NM_016239.4 (MANE Select); coding-DNA position 2892, one base deleted (T; older notation c.2892delT).
Protein change: p.Leu965fs; shifts the reading frame from leucine 965.
Molecular consequence: frameshift variant.
Genome position (GRCh38, 1-based): chr17:18,121,692, T deleted; the last of 3 consecutive T bases (chr17:18,121,690-18,121,692); deleting any one gives the same sequence. VCF-style (leftmost placement, unchanged base first): chr17-18121689-CT-C. GRCh37 (hg19) VCF-style: chr17-18025003-CT-C.
Other names: short protein forms L965fs.
Identifiers: ClinVar variation 3601314 (VCV003601314.1).
Genomic context (GRCh38, chr17:18,121,689, plus strand): 5'-GCCAGGAGGTGCAGGCAGCCGCCGAGGCTTTTCCAGGCCACCCCCTGTGCCGGAAAACCC[CT>C]TTCTCCAGCTCCTGGGCCCTGTGCCATCCCCCACCCTCCAGCCTGAGGATCCAGCTGCTG-3'